The following is an entry in ClinVar:

ClinVar aggregate classification (germline): Conflicting classifications of pathogenicity. Review status: criteria provided, conflicting classifications (1 of 4 stars). 7 submissions from 6 submitters: Uncertain significance (2); Benign (2); Likely benign (3). Last evaluated 2026-01-19.

Conditions:
Usher syndrome type 2D. Also called: USHER SYNDROME, TYPE IID. Identifiers: Orphanet 231178, Orphanet 886, MedGen C1568249, MONDO:0012662, OMIM 611383.
Autosomal recessive nonsyndromic hearing loss 31. Also called: WHIRLER, MOUSE, HOMOLOG OF. Identifiers: Orphanet 90636, MedGen C1846839, MONDO:0011767, OMIM 607084.

Allele frequency attached by ClinVar (database versions not stated): gnomAD exomes 0.00041; ExAC 0.00043; 1000 Genomes Project 0.00100; 1000 Genomes Project 30x 0.00125; gnomAD 0.00164 and 0.00177; TOPMed 0.00183; ESP Exome Variant Server 0.00192.
gnomAD v4.1: 496 of 1,613,750 alleles (0.031%); highest among the groups gnomAD compares: African/African-American, 0.56%; 1 homozygote.

Submissions (7):

Labcorp Genetics (formerly Invitae), Labcorp
Classification: Benign. Last evaluated: 2026-01-19. Review status: criteria provided, single submitter. Criteria: Invitae Variant Classification Sherloc (09022015). Collection method: clinical testing. Allele origin: germline.

CeGaT Center for Human Genetics Tuebingen
Classification: Likely benign. Last evaluated: 2025-06-01. Review status: criteria provided, single submitter. Criteria: CeGaT Center For Human Genetics Tuebingen Variant Classification Criteria Version 2. Collection method: clinical testing. Allele origin: germline. Affected: yes. Observed: 1 variant allele.
Comment: WHRN: BP4, BP7

Blueprint Genetics
Classification: Likely benign. Last evaluated: 2024-08-06. Review status: criteria provided, single submitter. Criteria: ACMG Guidelines, 2015. Collection method: clinical testing. Allele origin: germline.

GeneDx
Classification: Likely benign. Last evaluated: 2021-05-12. Review status: criteria provided, single submitter. Criteria: GeneDx Variant Classification Process June 2021. Collection method: clinical testing. Allele origin: germline. Affected: yes.

Illumina Laboratory Services, Illumina
Classification: Uncertain significance for Usher syndrome type 2D. Last evaluated: 2018-01-12. Review status: criteria provided, single submitter. Criteria: ICSL Variant Classification Criteria 13 December 2019. Collection method: clinical testing. Allele origin: germline.

Illumina Laboratory Services, Illumina
Classification: Uncertain significance for Autosomal recessive nonsyndromic hearing loss 31. Last evaluated: 2018-01-12. Review status: criteria provided, single submitter. Criteria: ICSL Variant Classification Criteria 13 December 2019. Collection method: clinical testing. Allele origin: germline.

Laboratory for Molecular Medicine, Mass General Brigham Personalized Medicine
Classification: Benign. Last evaluated: 2012-04-30. Review status: criteria provided, single submitter. Criteria: LMM Criteria. Collection method: clinical testing. Allele origin: germline. Observed: 1 variant allele.
Comment: Asn435Asn in Exon 06 of DFNB31: This variant is not expected to have clinical si gnificance because it does not alter an amino acid residue, is not located withi n the splice consensus sequence, and has been identified in 0.6% (21/3738) of Af rican American chromosomes from a broad population by the NHLBI Exome Sequencing Project (dbSNP rs150407952).

NM_015404.4(WHRN):c.1305C>T (p.Asn435=)

Gene: WHRN (whirlin; minus strand). Cytogenetic location: 9q32.
Variant type: single nucleotide variant.
Coding change: c.1305C>T on transcript NM_015404.4 (MANE Select); coding-DNA position 1305, C replaced by T.
Protein change: p.Asn435=; no amino-acid change (asparagine 435 retained).
Molecular consequence: synonymous variant.
Genome position (GRCh38, 1-based): chr9:114,424,445, G>A on the plus strand (C>T on the coding strand, the complement: WHRN is on the minus strand). VCF-style: chr9-114424445-G-A. GRCh37 (hg19) VCF-style: chr9-117186725-G-A.
Other names: c.156C>T, p.Asn52= (NM_001083885.3); c.1305C>T, p.Asn435= (NM_001173425.2); c.252C>T, p.Asn84= (NM_001346890.1).
Identifiers: ClinVar variation 364691 (VCV000364691.30), dbSNP rs150407952, ClinGen allele CA5205993.
Genomic context (GRCh38, chr9:114,424,445, plus strand): 5'-AGAGACGCTGCCACCACGGTACTCATCCAGGTAGTAGGCCATGGTGGCGTGTTCCTGCTC[G>A]TTCAGCAGGTGCCGAGCCTGCTCCTCCAGCAGCACTCGTGTCTGGTTCCCCAGGCTGCTC-3'
Protein context (NP_056219.3, residues 425-445): LLEEQARHLL[Asn435=]EQEHATMAYY